The following is an entry in ClinVar:

ClinVar aggregate classification (germline): Likely benign (1 of 4 stars; one submission).

Conditions:
Colorectal cancer, hereditary nonpolyposis, type 7. Identifiers: Orphanet 144, MedGen C1858380, MONDO:0013725, OMIM 614385.

Submission:

Myriad Genetics, Inc.
Classification: Likely benign for Colorectal cancer, hereditary nonpolyposis, type 7. Last evaluated: 2026-04-28. Review status: criteria provided, single submitter. Criteria: Myriad Autosomal Dominant, Autosomal Recessive and X-Linked Classification Criteria (2023). Collection method: clinical testing. Allele origin: unknown.
Comment: This variant is considered likely benign. This variant is intronic and is not expected to impact mRNA splicing.

NM_001040108.2(MLH3):c.3988-19T>C

Gene: MLH3 (mutL homolog 3; minus strand). Cytogenetic location: 14q24.3.
Variant type: single nucleotide variant.
Coding change: c.3988-19T>C on transcript NM_001040108.2 (MANE Select); 19 bases into the intron before coding-DNA position 3988, T replaced by C.
Molecular consequence: intron variant.
Genome position (GRCh38, 1-based): chr14:75,023,037, A>G on the plus strand (T>C on the coding strand, the complement: MLH3 is on the minus strand). VCF-style: chr14-75023037-A-G. GRCh37 (hg19) VCF-style: chr14-75489740-A-G.
Other names: c.3916-19T>C (NM_014381.3).
Identifiers: ClinVar variation 4875810 (VCV004875810.1).